The following is an entry in ClinVar:

ClinVar aggregate classification (germline): Likely benign. Review status: criteria provided, multiple submitters, no conflicts (2 of 4 stars). 2 submissions from 2 submitters: Likely benign (2). Last evaluated 2026-09-11.

Conditions:
Colorectal cancer, hereditary nonpolyposis, type 7. Identifiers: Orphanet 144, MedGen C1858380, MONDO:0013725, OMIM 614385.

gnomAD v4.1: 2 of 1,613,760 alleles (0.00012%); highest among the groups gnomAD compares: African/African-American, 0.0027%; no homozygotes.

Submissions (2):

Myriad Genetics, Inc.
Classification: Likely benign for Colorectal cancer, hereditary nonpolyposis, type 7. Last evaluated: 2026-09-11. Review status: criteria provided, single submitter. Criteria: Myriad Autosomal Dominant, Autosomal Recessive and X-Linked Classification Criteria (2023). Collection method: clinical testing. Allele origin: unknown.
Comment: This variant is considered likely benign. This variant is intronic and is not expected to impact mRNA splicing.

Labcorp Genetics (formerly Invitae), Labcorp
Classification: Likely benign for Colorectal cancer, hereditary nonpolyposis, type 7. Last evaluated: 2026-01-04. Review status: criteria provided, single submitter. Criteria: Invitae Variant Classification Sherloc (09022015). Collection method: clinical testing. Allele origin: germline.

NM_001040108.2(MLH3):c.3715+7A>T

Gene: MLH3 (mutL homolog 3; minus strand). Cytogenetic location: 14q24.3.
Variant type: single nucleotide variant.
Coding change: c.3715+7A>T on transcript NM_001040108.2 (MANE Select); 7 bases into the intron after coding-DNA position 3715, A replaced by T.
Molecular consequence: intron variant.
Genome position (GRCh38, 1-based): chr14:75,033,412, T>A on the plus strand (A>T on the coding strand, the complement: MLH3 is on the minus strand). VCF-style: chr14-75033412-T-A. GRCh37 (hg19) VCF-style: chr14-75500115-T-A.
Other names: c.3644-1233A>T (NM_014381.3).
Identifiers: ClinVar variation 4706742 (VCV004706742.2).
Genomic context (GRCh38, chr14:75,033,412, plus strand): 5'-AGCTCTTTGAGGTGTACTGATTCTGCTGGGAGTCTCAAATTTTTTCTGGCTGCAAACAGA[T>A]CCTTACCAATGATAAGCTGCTCCAGACGTATACGCTCATGGGCAGCGTGCTGATCCACCA-3'